The following is an entry in ClinVar:

ClinVar aggregate classification (germline): Uncertain significance (1 of 4 stars; one submission).

Submission:

Labcorp Genetics (formerly Invitae), Labcorp
Classification: Uncertain significance. Last evaluated: 2025-11-08. Review status: criteria provided, single submitter. Criteria: Invitae Variant Classification Sherloc (09022015). Collection method: clinical testing. Allele origin: germline.
Comment: This sequence change replaces glutamic acid, which is acidic and polar, with lysine, which is basic and polar, at codon 247 of the KAT6A protein (p.Glu247Lys). This variant is not present in population databases (gnomAD no frequency). This variant has not been reported in the literature in individuals affected with KAT6A-related conditions. Invitae Evidence Modeling of protein sequence and biophysical properties (such as structural, functional, and spatial information, amino acid conservation, physicochemical variation, residue mobility, and thermodynamic stability) indicates that this missense variant is not expected to disrupt KAT6A protein function with a negative predictive value of 95%. In summary, the available evidence is currently insufficient to determine the role of this variant in disease. Therefore, it has been classified as a Variant of Uncertain Significance.

NM_006766.5(KAT6A):c.739G>A (p.Glu247Lys)

Gene: KAT6A (lysine acetyltransferase 6A; minus strand). Cytogenetic location: 8p11.21.
Variant type: single nucleotide variant.
Coding change: c.739G>A on transcript NM_006766.5 (MANE Select); coding-DNA position 739, G replaced by A.
Protein change: p.Glu247Lys; replaces glutamic acid 247 with lysine.
Molecular consequence: missense variant.
Genome position (GRCh38, 1-based): chr8:41,981,925, C>T on the plus strand (G>A on the coding strand, the complement: KAT6A is on the minus strand). VCF-style: chr8-41981925-C-T. GRCh37 (hg19) VCF-style: chr8-41839443-C-T.
Other names: c.739G>A, p.Glu247Lys (NM_001305878.2); short protein forms E247K.
Identifiers: ClinVar variation 4797486 (VCV004797486.1).